The following is an entry in ClinVar:

ClinVar aggregate classification (germline): Uncertain significance. Review status: criteria provided, multiple submitters, no conflicts (2 of 4 stars). 2 submissions from 2 submitters: Uncertain significance (2). Last evaluated 2025-03-27.

Conditions:
Inborn genetic diseases. Identifiers: MedGen C0950123, MeSH D030342.

Allele frequency attached by ClinVar (database versions not stated): TOPMed below 0.00001; ExAC 0.00001; gnomAD 0.00001.
gnomAD v4.1: 17 of 1,613,930 alleles (0.0011%); highest among the groups gnomAD compares: Non-Finnish European, 0.0014%; no homozygotes.

Submissions (2):

Labcorp Genetics (formerly Invitae), Labcorp
Classification: Uncertain significance. Last evaluated: 2025-03-27. Review status: criteria provided, single submitter. Criteria: Invitae Variant Classification Sherloc (09022015). Collection method: clinical testing. Allele origin: germline.
Comment: This sequence change replaces lysine, which is basic and polar, with glutamine, which is neutral and polar, at codon 3822 of the DNAH9 protein (p.Lys3822Gln). This variant is present in population databases (rs765021682, gnomAD 0.002%). This variant has not been reported in the literature in individuals affected with DNAH9-related conditions. ClinVar contains an entry for this variant (Variation ID: 3084202). Invitae Evidence Modeling of protein sequence and biophysical properties (such as structural, functional, and spatial information, amino acid conservation, physicochemical variation, residue mobility, and thermodynamic stability) indicates that this missense variant is expected to disrupt DNAH9 protein function with a positive predictive value of 80%. In summary, the available evidence is currently insufficient to determine the role of this variant in disease. Therefore, it has been classified as a Variant of Uncertain Significance.

Ambry Genetics
Classification: Uncertain significance for Inborn genetic diseases. Last evaluated: 2024-01-16. Review status: criteria provided, single submitter. Criteria: Ambry Variant Classification Scheme 2023. Collection method: clinical testing. Allele origin: germline.

NM_001372.4(DNAH9):c.11464A>C (p.Lys3822Gln)

Gene: DNAH9 (dynein axonemal heavy chain 9; plus strand). Cytogenetic location: 17p12.
Variant type: single nucleotide variant.
Coding change: c.11464A>C on transcript NM_001372.4 (MANE Select); coding-DNA position 11464, A replaced by C.
Protein change: p.Lys3822Gln; replaces lysine 3822 with glutamine.
Molecular consequence: missense variant.
Genome position (GRCh38, 1-based): chr17:11,902,776, A>C. VCF-style: chr17-11902776-A-C. GRCh37 (hg19) VCF-style: chr17-11806093-A-C.
Other names: c.400A>C, p.Lys134Gln (NM_004662.2); short protein forms K134Q, K3822Q.
Identifiers: ClinVar variation 3084202 (VCV003084202.2), dbSNP rs765021682, ClinGen allele CA8397843.